The following continues an entry in ClinVar:

NM_004985.5(KRAS):c.35G>T (p.Gly12Val)

Gene: KRAS. ClinVar aggregate classification (germline): Pathogenic. Pathogenic (8). ClinVar aggregate classification (somatic clinical impact): Tier I - Strong. ClinVar aggregate classification (oncogenicity): Oncogenic.

Submissions 7 to 21 of 21:

Institute for Genomic Medicine (IGM) Clinical Laboratory, Nationwide Children's Hospital
Classification: Tier I - Strong for Adenocarcinoma of the large intestine. Assertion type: diagnostic. Clinical significance: supports diagnosis. Last evaluated: 2023-11-13. Review status: criteria provided, single submitter. Criteria: AMP/ASCO/CAP Guidelines, 2017. Collection method: clinical testing. Allele origin: somatic. Affected: yes.
Comment: Variant has Tier I (strong) clinical significance as a diagnostic inclusion criterion in colorectal adenocarcinoma, based on the following evidence: 1) Documented in one or more cancer databases (e.g., St. Jude Pecan, COSMIC, CIViC, OncoKB). 2) Appears in one or more well-established professional guidelines (e.g., World Health Organization [WHO]; National Comprehensive Cancer Network [NCCN]) as providing diagnostic, prognostic, or therapeutic information. 3) Diagnostic for a specific tumor type/classification based on well-powered studies with expert-level consensus (Evidence Level B; PMIDs: 22810696, 27325016).

Labcorp Genetics (formerly Invitae), Labcorp
Classification: Pathogenic for RASopathy. Last evaluated: 2023-10-13. Review status: criteria provided, single submitter. Criteria: Invitae Variant Classification Sherloc (09022015). Collection method: clinical testing. Allele origin: germline.
Comment: This sequence change replaces glycine, which is neutral and non-polar, with valine, which is neutral and non-polar, at codon 12 of the KRAS protein (p.Gly12Val). This variant is not present in population databases (gnomAD no frequency). This variant has not been reported in the literature in individuals affected with KRAS-related conditions. ClinVar contains an entry for this variant (Variation ID: 12583). Advanced modeling of protein sequence and biophysical properties (such as structural, functional, and spatial information, amino acid conservation, physicochemical variation, residue mobility, and thermodynamic stability) performed at Invitae indicates that this missense variant is expected to disrupt KRAS protein function. Experimental studies have shown that this missense change affects KRAS function (PMID: 20949621, 21044336). This variant disrupts the p.Gly12 amino acid residue in KRAS. Other variant(s) that disrupt this residue have been determined to be pathogenic (PMID: 17704260, 26242988). This suggests that this residue is clinically significant, and that variants that disrupt this residue are likely to be disease-causing. For these reasons, this variant has been classified as Pathogenic.

Clinical Genomics Laboratory, Washington University in St. Louis
Classification: Pathogenic for Linear nevus sebaceous syndrome. Last evaluated: 2023-09-22. Review status: criteria provided, single submitter. Criteria: ACMG Guidelines, 2015. Collection method: clinical testing. Allele origin: somatic. Affected: yes.
Comment: The KRAS c.35G>T (p.Gly12Val) variant was identified at an allelic fraction consistent with somatic origin. It has been identified in individuals with Schimmelpenning-Feuerstein-Mims syndrome and arteriovenous malformation caused by somatic pathogenic variants (Groesser L et al., PMID: 22683711; Serio VB et al., PMID: 35807022; Palmieri M et al., PMID: 34617046; Ten Broek RW et al., PMID: 30677207; Al-Olabi L et al., PMID: 29461977). This variant has been reported in the ClinVar database as pathogenic by eight submitters (ClinVar ID: 12583) in both a germline and a somatic state. It also has been reported in 11,239 cases in the cancer database (COSMIC ID: COSV55497419). KRAS c.35G>T (p.Gly12Val) is absent from the general population (gnomAD v.3.1.2), indicating it is not a common variant. This variant resides within the switch I region, amino acids 32-40, of KRAS that is defined as a critical functional domain (Pacold ME et al., PMID: 11136978). Computational predictors indicate that the variant is damaging, evidence that correlates with impact to KRAS function. The KRAS gene is defined by ClinGen‚Äôs RASopathy Expert Panel as a gene that has a low rate of benign missense variation and where pathogenic missense variants are a common mechanism of disease (Gelb BD et al., PMID: 2949358). Functional studies using animals show that this variant induces vascular malformation phenotypes similar to observed in humans (Fish JE et al., PMID: 32552404). Other variants in the same codon, c.35G>A (p.Gly12Asp) have been reported in individuals with Schimmelpenning-Feuerstein-Mims syndrome and nevus sebaceous and are considered pathogenic (Mitchell BJ et al., PMID: 30394973; Levinsohn JL et al., PMID: 23096712; ClinVar ID: 12582). Based on an internally-developed protocol informed by the ACMG/AMP guidelines (Richards S et al., PMID: 25741868) and gene-specific practices from the ClinGen Criteria Specification Registry, KRAS c.35G>T (p.Gly12Val) variant is classified as pathogenic.

CeGaT Center for Human Genetics Tuebingen
Classification: Pathogenic. Last evaluated: 2022-12-01. Review status: criteria provided, single submitter. Criteria: CeGaT Center For Human Genetics Tuebingen Variant Classification Criteria Version 2. Collection method: clinical testing. Allele origin: germline. Affected: yes. Observed: 2 variant alleles.

Laboratory for Molecular Medicine, Mass General Brigham Personalized Medicine
Classification: Pathogenic for Juvenile myelomonocytic leukemia. Last evaluated: 2018-02-15. Review status: criteria provided, single submitter. Criteria: LMM Criteria. Collection method: clinical testing. Allele origin: somatic. Inheritance: Somatic mutation. Observed: 96 variant alleles.
Comment: proposed classification - variant undergoing re-assessment, contact laboratory

Laboratory for Molecular Medicine, Mass General Brigham Personalized Medicine
Classification: Pathogenic for Non-small cell lung carcinoma. Last evaluated: 2018-02-15. Review status: criteria provided, single submitter. Criteria: LMM Criteria. Collection method: clinical testing. Allele origin: somatic. Inheritance: Somatic mutation. Observed: 96 variant alleles.
Comment: the same text as in the submission from Laboratory for Molecular Medicine, Mass General Brigham Personalized Medicine above.

Department of Clinical Biochemistry, Naestved Hospital
Classification: Tier I - Strong for Colorectal cancer. Assertion type: prognostic. Clinical significance: better outcome. Last evaluated: 2024-10-10. Review status: no assertion criteria provided. Collection method: research. Allele origin: somatic. Not counted in ClinVar's aggregate classification.

Druker Lab, Oregon Health and Sciences University
Classification: Pathogenic for Chronic myeloid leukemia. Last evaluated: 2022-10-10. Review status: no assertion criteria provided. Collection method: clinical testing. Allele origin: somatic. Affected: yes. Not counted in ClinVar's aggregate classification.

OMIM
Classification: Pathogenic for ARTERIOVENOUS MALFORMATION OF THE BRAIN, SOMATIC. Last evaluated: 2018-03-06. Review status: no assertion criteria provided. Collection method: literature only. Allele origin: somatic. Not counted in ClinVar's aggregate classification.

Yale Center for Mendelian Genomics, Yale University
Classification: Pathogenic for Nevus sebaceous. Last evaluated: 2012-10-25. Review status: no assertion criteria provided. Collection method: literature only. Allele origin: somatic. Affected: yes. Observed: 1 heterozygote. Not counted in ClinVar's aggregate classification.

OMIM
Classification: Pathogenic for PANCREATIC CARCINOMA, SOMATIC. Last evaluated: 2012-06-10. Review status: no assertion criteria provided. Collection method: literature only. Allele origin: somatic. Not counted in ClinVar's aggregate classification.

OMIM
Classification: Pathogenic for NEVUS SEBACEOUS, SOMATIC. Last evaluated: 2012-06-10. Review status: no assertion criteria provided. Collection method: literature only. Allele origin: somatic. Not counted in ClinVar's aggregate classification.

Arin Greene Laboratory, Boston Children's Hospital, Harvard Medical School
Classification: Pathogenic for Cerebral arteriovenous malformation. Review status: no assertion criteria provided. Collection method: research. Allele origin: somatic. Affected: yes. Observed: 3 variant alleles. Not counted in ClinVar's aggregate classification.

Department of Pathology and Laboratory Medicine, Sinai Health System
Classification: Pathogenic. Review status: no assertion criteria provided. Collection method: clinical testing. Allele origin: unknown. Affected: yes. Observed: 97 variant alleles. Study: The Canadian Open Genetics Repository (COGR). Not counted in ClinVar's aggregate classification.

Salgia Laboratory, City of Hope
Classification: Pathogenic for Lung sarcomatoid carcinoma. Review status: no assertion criteria provided. Collection method: clinical testing. Allele origin: somatic. Inheritance: Somatic mutation. Affected: yes. Not counted in ClinVar's aggregate classification.

Literature cited by the submitters: PubMed 20147967 (cited by Institute for Genomic Medicine (IGM) Clinical Laboratory, Nationwide Children's Hospital); PubMed 20516123 (cited by Institute for Genomic Medicine (IGM) Clinical Laboratory, Nationwide Children's Hospital); PubMed 20570890 (cited by Institute for Genomic Medicine (IGM) Clinical Laboratory, Nationwide Children's Hospital); PubMed 25359494 (cited by Institute for Genomic Medicine (IGM) Clinical Laboratory, Nationwide Children's Hospital); PubMed 23965232 (cited by Institute for Genomic Medicine (IGM) Clinical Laboratory, Nationwide Children's Hospital); PubMed 31477716 (cited by Institute for Genomic Medicine (IGM) Clinical Laboratory, Nationwide Children's Hospital); PubMed 26257827 (cited by Institute for Genomic Medicine (IGM) Clinical Laboratory, Nationwide Children's Hospital); PubMed 29793804 (cited by Institute for Genomic Medicine (IGM) Clinical Laboratory, Nationwide Children's Hospital); PubMed 23455880 (cited by Center for Genomic Medicine, Rigshospitalet, Copenhagen University Hospital); PubMed 26037647 (cited by Center for Genomic Medicine, Rigshospitalet, Copenhagen University Hospital); PubMed 24642870 (cited by Center for Genomic Medicine, Rigshospitalet, Copenhagen University Hospital); PubMed 11668624 (cited by Center for Genomic Medicine, Rigshospitalet, Copenhagen University Hospital); PubMed 24896186 (cited by Institute for Genomic Medicine (IGM) Clinical Laboratory, Nationwide Children's Hospital); PubMed 27391150 (cited by Institute for Genomic Medicine (IGM) Clinical Laboratory, Nationwide Children's Hospital); PubMed 24452629 (cited by Institute for Genomic Medicine (IGM) Clinical Laboratory, Nationwide Children's Hospital); PubMed 22810696 (cited by Institute for Genomic Medicine (IGM) Clinical Laboratory, Nationwide Children's Hospital); PubMed 27325016 (cited by Institute for Genomic Medicine (IGM) Clinical Laboratory, Nationwide Children's Hospital); PubMed 20949621 (cited by Labcorp Genetics (formerly Invitae), Labcorp); PubMed 21044336 (cited by Labcorp Genetics (formerly Invitae), Labcorp); PubMed 17704260 (cited by Labcorp Genetics (formerly Invitae), Labcorp and Laboratory for Molecular Medicine, Mass General Brigham Personalized Medicine); PubMed 26242988 (cited by Labcorp Genetics (formerly Invitae), Labcorp); PubMed 19047918 (cited by Laboratory for Molecular Medicine, Mass General Brigham Personalized Medicine); PubMed 15696205 (cited by Laboratory for Molecular Medicine, Mass General Brigham Personalized Medicine); PubMed 19358724 (cited by Laboratory for Molecular Medicine, Mass General Brigham Personalized Medicine); PubMed 21169357 (cited by Laboratory for Molecular Medicine, Mass General Brigham Personalized Medicine); PubMed 17332249 (cited by Laboratory for Molecular Medicine, Mass General Brigham Personalized Medicine); PubMed 29298116 (cited by OMIM); PubMed 23096712 (cited by Yale Center for Mendelian Genomics, Yale University); PubMed 8439212 (cited by OMIM); PubMed 22683711 (cited by OMIM); PubMed 31891627 (cited by Arin Greene Laboratory, Boston Children's Hospital, Harvard Medical School); PubMed 19349489 (cited by Salgia Laboratory, City of Hope); PubMed 24138715 (cited by Salgia Laboratory, City of Hope).